The following is an entry in ClinVar:

ClinVar aggregate classification (germline): Uncertain significance. Review status: criteria provided, multiple submitters, no conflicts (2 of 4 stars). 2 submissions from 2 submitters: Uncertain significance (2). Last evaluated 2024-07-29.

Conditions:
BRCA2-related cancer predisposition. Identifiers: MedGen CN377758, MONDO:0700269.
Hereditary breast ovarian cancer syndrome. Also called: Breast and ovarian cancer; BRCA1- and BRCA2-Associated Hereditary Breast and Ovarian Cancer; Hereditary breast and ovarian cancer syndrome; Hereditary breast and ovarian cancer; Hereditary breast and ovarian cancer syndrome (HBOC); Hereditary breast and/or ovarian cancer syndrome. Identifiers: Orphanet 145, MedGen C0677776, MeSH D061325, MONDO:0003582. Disease mechanism: loss of function.

Submissions (2):

All of Us Research Program, National Institutes of Health
Classification: Uncertain significance for BRCA2-related cancer predisposition. Last evaluated: 2024-07-29. Review status: criteria provided, single submitter. Criteria: ACMG Guidelines, 2015. Collection method: clinical testing. Allele origin: germline. Inheritance: Autosomal dominant inheritance. Observed: 1 variant allele, 1 heterozygote.
Comment: This variant causes an in-frame deletion of glutamic acid at position 3377 in the BRCA2 protein. To our knowledge, functional studies have not been reported for this variant. This variant has not been reported in individuals affected with hereditary cancer in the literature. This variant has not been identified in the general population by the Genome Aggregation Database (gnomAD). The available evidence is insufficient to determine the role of this variant in disease conclusively. Therefore, this variant is classified as a Variant of Uncertain Significance.

This study involves interpretation of variants in research participants for the purpose of population health screening. Participant phenotype was not available at the time of variant classification. Additional details can be found in publication PMID: 35346344, PMCID: PMC8962531

Labcorp Genetics (formerly Invitae), Labcorp
Classification: Uncertain significance for Hereditary breast ovarian cancer syndrome. Last evaluated: 2024-04-25. Review status: criteria provided, single submitter. Criteria: Invitae Variant Classification Sherloc (09022015). Collection method: clinical testing. Allele origin: germline.
Comment: This variant, c.10131_10133del, results in the deletion of 1 amino acid(s) of the BRCA2 protein (p.Glu3377del), but otherwise preserves the integrity of the reading frame. This variant is not present in population databases (gnomAD no frequency). This variant has not been reported in the literature in individuals affected with BRCA2-related conditions. Experimental studies and prediction algorithms are not available or were not evaluated, and the functional significance of this variant is currently unknown. In summary, the available evidence is currently insufficient to determine the role of this variant in disease. Therefore, it has been classified as a Variant of Uncertain Significance.

NM_000059.4(BRCA2):c.10128AGA[1] (p.Glu3377del)

Gene: BRCA2 (BRCA2 DNA repair associated; plus strand). Cytogenetic location: 13q13.1.
Variant type: Microsatellite.
Coding change: c.10128AGA[1] on transcript NM_000059.4 (MANE Select); one copy of the 3-base unit AGA starting at c.10128; the reference has two copies in a row; one copy, 3 bases deleted.
Protein change: p.Glu3377del; deletes glutamic acid 3377.
Molecular consequence: inframe deletion. On other transcripts: inframe indel (4).
Genome position (GRCh38, 1-based): chr13:32,398,644-32,398,646, AGA deleted; deleting any 3 consecutive bases within chr13:32,398,641-32,398,646 gives the same sequence; the position shown is the placement nearest the transcript's 3' end. VCF-style (leftmost placement, unchanged base first): chr13-32398640-CAGA-C. GRCh37 (hg19) VCF-style: chr13-32972777-CAGA-C.
Other names: c.10032_10034AGA[1], p.Glu3345del (NM_001406719.1); c.10077_10079AGA[1], p.Glu3360del (NM_001406720.1); c.5196_5198AGA[1], p.Glu1733del (NM_001406721.1); c.3711_3713AGA[1], p.Glu1238del (NM_001406722.1); short protein forms E3345del, E3377del, E1238del, E3360del, E1733del.
Identifiers: ClinVar variation 2059542 (VCV002059542.5), dbSNP rs2548565679, ClinGen allele CA2580614706.
Genomic context (GRCh38, chr13:32,398,640, plus strand): 5'-CAACAGGAGAAAAACAATTTATATCTGTCAGTGAATCCACTAGGACTGCTCCCACCAGTT[CAGA>C]AGATTATCTCAGACTGAAACGACGTTGTACTACATCTCTGATCAAAGAACAGGAGAGTTC-3'